The following is an entry in ClinVar:

NM_005660.3(SLC35A2):c.26C>T (p.Ser9Phe)

Gene: SLC35A2 (solute carrier family 35 member A2; minus strand). Cytogenetic location: Xp11.23.
Variant type: single nucleotide variant.
Coding change: c.26C>T on transcript NM_005660.3 (MANE Select); coding-DNA position 26, C replaced by T.
Protein change: p.Ser9Phe; replaces serine 9 with phenylalanine.
Molecular consequence: missense variant. On other transcripts: intron variant (1).
Genome position (GRCh38, 1-based): chrX:48,911,611, G>A on the plus strand (C>T on the coding strand, the complement: SLC35A2 is on the minus strand). VCF-style: chrX-48911611-G-A. GRCh37 (hg19) VCF-style: chrX-48768888-G-A.
Other names: c.26C>T, p.Ser9Phe (NM_001032289.3, NM_001042498.3, NM_001282647.2 and 3 more transcripts); c.19+248C>T (NM_001282648.2); short protein forms S9F.
Identifiers: ClinVar variation 1794899 (VCV001794899.3), dbSNP rs2519667774, ClinGen allele CA412898914.

ClinVar aggregate classification (germline): Uncertain significance. Review status: criteria provided, multiple submitters, no conflicts (2 of 4 stars). 2 submissions from 2 submitters: Uncertain significance (2). Last evaluated 2020-01-03.

Conditions:
Inborn genetic diseases. Identifiers: MedGen C0950123, MeSH D030342.

Submissions (2):

Ambry Genetics
Classification: Uncertain significance for Inborn genetic diseases. Last evaluated: 2020-01-03. Review status: criteria provided, single submitter. Criteria: Ambry Variant Classification Scheme 2023. Collection method: clinical testing. Allele origin: germline.
Comment: The p.S9F variant (also known as c.26C>T), located in coding exon 1 of the SLC35A2 gene, results from a C to T substitution at nucleotide position 26. The serine at codon 9 is replaced by phenylalanine, an amino acid with highly dissimilar properties. This amino acid position is well conserved in available vertebrate species. In addition, this alteration is predicted to be tolerated by in silico analysis. Since supporting evidence is limited at this time, the clinical significance of this alteration remains unclear.

Blueprint Genetics
Classification: Uncertain significance. Last evaluated: 2018-10-01. Review status: criteria provided, single submitter. Criteria: ACMG Guidelines, 2015. Collection method: clinical testing. Allele origin: germline.